The following is an entry in ClinVar:

NM_001382391.1(CSPP1):c.1217C>T (p.Ala406Val)

Gene: CSPP1 (centrosome and spindle pole associated protein 1; plus strand). Cytogenetic location: 8q13.2.
Variant type: single nucleotide variant.
Coding change: c.1217C>T on transcript NM_001382391.1 (MANE Select); coding-DNA position 1217, C replaced by T.
Protein change: p.Ala406Val; replaces alanine 406 with valine.
Molecular consequence: missense variant.
Genome position (GRCh38, 1-based): chr8:67,113,834, C>T. VCF-style: chr8-67113834-C-T. GRCh37 (hg19) VCF-style: chr8-68026069-C-T.
Other names: c.362C>T, p.Ala121Val (NM_001291339.2); c.1136C>T, p.Ala379Val (NM_001363131.2, NM_001363133.2); c.1217C>T, p.Ala406Val (NM_001363132.2); c.1325C>T, p.Ala442Val (NM_001364869.1); c.1145C>T, p.Ala382Val (NM_001364870.1); c.1244C>T, p.Ala415Val (NM_024790.7); short protein forms A121V, A379V, A382V, A406V, A415V, A442V.
Identifiers: ClinVar variation 1329767 (VCV001329767.5), dbSNP rs775268714, ClinGen allele CA4770488.
Genomic context (GRCh38, chr8:67,113,834, plus strand): 5'-TTTTAATATGTAAAACTTTAATTTTGTTTAGAGAAAAAGATTTAGAACTCAGGGTTGCAG[C>T]GTCTGGAGCACAAGACCCTGAGAAATCGGTAAGGGTTTCTGGCATCTTTTAATGTTTAAT-3'
Protein context (NP_001369320.1, residues 396-416): REKDLELRVA[Ala406Val]SGAQDPEKSW

ClinVar aggregate classification (germline): Uncertain significance. Review status: criteria provided, multiple submitters, no conflicts (2 of 4 stars). 3 submissions from 3 submitters: Uncertain significance (3). Last evaluated 2022-04-08.

Conditions:
Joubert syndrome 21 (JBTS21). Identifiers: MedGen C3810212, MONDO:0014288, OMIM 615636.

Allele frequency attached by ClinVar (database versions not stated): ExAC 0.00001; gnomAD 0.00003; TOPMed 0.00003.
gnomAD v4.1: 12 of 1,589,860 alleles (0.00075%); highest among the groups gnomAD compares: East Asian, 0.011%; no homozygotes.

Submissions (3):

Labcorp Genetics (formerly Invitae), Labcorp
Classification: Uncertain significance for Joubert syndrome 21. Last evaluated: 2022-04-08. Review status: criteria provided, single submitter. Criteria: Invitae Variant Classification Sherloc (09022015). Collection method: clinical testing. Allele origin: germline.
Comment: This sequence change replaces alanine, which is neutral and non-polar, with valine, which is neutral and non-polar, at codon 415 of the CSPP1 protein (p.Ala415Val). The frequency data for this variant in the population databases is considered unreliable, as metrics indicate poor data quality at this position in the gnomAD database. This variant has not been reported in the literature in individuals affected with CSPP1-related conditions. ClinVar contains an entry for this variant (Variation ID: 1329767). Algorithms developed to predict the effect of missense changes on protein structure and function are either unavailable or do not agree on the potential impact of this missense change (SIFT: "Tolerated"; PolyPhen-2: "Possibly Damaging"; Align-GVGD: "Class C0"). In summary, the available evidence is currently insufficient to determine the role of this variant in disease. Therefore, it has been classified as a Variant of Uncertain Significance.

GeneDx
Classification: Uncertain significance. Last evaluated: 2021-06-22. Review status: criteria provided, single submitter. Criteria: GeneDx Variant Classification Process June 2021. Collection method: clinical testing. Allele origin: germline. Affected: yes.
Comment: Not observed at significant frequency in large population cohorts (Lek et al., 2016); In silico analysis supports that this missense variant does not alter protein structure/function; Has not been previously published as pathogenic or benign to our knowledge; This variant is associated with the following publications: (PMID: 27535533, 24360808)

Blueprint Genetics
Classification: Uncertain significance. Last evaluated: 2021-04-07. Review status: criteria provided, single submitter. Criteria: ACMG Guidelines, 2015. Collection method: clinical testing. Allele origin: germline.